The following is an entry in ClinVar:

ClinVar aggregate classification (germline): Uncertain significance (1 of 4 stars; one submission).

Conditions:
Familial thoracic aortic aneurysm and aortic dissection (TAAD). Also called: Thoracic aortic aneurysms and dissections. Identifiers: Orphanet 91387, MedGen C4707243, MONDO:0019625.

Submission:

Labcorp Genetics (formerly Invitae), Labcorp
Classification: Uncertain significance for Familial thoracic aortic aneurysm and aortic dissection. Last evaluated: 2023-12-14. Review status: criteria provided, single submitter. Criteria: Invitae Variant Classification Sherloc (09022015). Collection method: clinical testing. Allele origin: germline.
Comment: This sequence change replaces asparagine, which is neutral and polar, with aspartic acid, which is acidic and polar, at codon 389 of the TGFBR1 protein (p.Asn389Asp). This variant is not present in population databases (gnomAD no frequency). This variant has not been reported in the literature in individuals affected with TGFBR1-related conditions. Advanced modeling of protein sequence and biophysical properties (such as structural, functional, and spatial information, amino acid conservation, physicochemical variation, residue mobility, and thermodynamic stability) performed at Invitae indicates that this missense variant is not expected to disrupt TGFBR1 protein function with a negative predictive value of 80%. In summary, the available evidence is currently insufficient to determine the role of this variant in disease. Therefore, it has been classified as a Variant of Uncertain Significance.

NM_004612.4(TGFBR1):c.1165A>G (p.Asn389Asp)

Gene: TGFBR1 (transforming growth factor beta receptor 1; plus strand). Cytogenetic location: 9q22.33.
Variant type: single nucleotide variant.
Coding change: c.1165A>G on transcript NM_004612.4 (MANE Select); coding-DNA position 1165, A replaced by G.
Protein change: p.Asn389Asp; replaces asparagine 389 with aspartic acid.
Molecular consequence: missense variant. On other transcripts: non-coding transcript variant (1).
Genome position (GRCh38, 1-based): chr9:99,146,519, A>G. VCF-style: chr9-99146519-A-G. GRCh37 (hg19) VCF-style: chr9-101908801-A-G.
Other names: c.934A>G, p.Asn312Asp (NM_001130916.3, NM_001407435.1); c.1177A>G, p.Asn393Asp (NM_001306210.2); c.1009A>G, p.Asn337Asp (NM_001407416.1); c.997A>G, p.Asn333Asp (NM_001407417.1); c.970A>G, p.Asn324Asp (NM_001407418.1, NM_001407419.1, NM_001407420.1 and 1 more transcripts); c.958A>G, p.Asn320Asp (NM_001407423.1, NM_001407424.1, NM_001407425.1 and 8 more transcripts); c.919A>G, p.Asn307Asp (NM_001407436.1); c.457A>G, p.Asn153Asp (NM_001407437.1); and 1 more; short protein forms N153D, N312D, N337D, N389D, N230D, N307D, N324D, N320D.
Identifiers: ClinVar variation 2703156 (VCV002703156.3), dbSNP rs2490250150, ClinGen allele CA374232771.
Genomic context (GRCh38, chr9:99,146,519, plus strand): 5'-AAGTTCTTTTTGCAAATTTTTTTTAGGTACATGGCCCCTGAAGTTCTCGATGATTCCATA[A>G]ATATGAAACATTTTGAATCCTTCAAACGTGCTGACATCTATGCAATGGGCTTAGTATTCT-3'
Protein context (NP_004603.1, residues 379-399): MAPEVLDDSI[Asn389Asp]MKHFESFKRA